The following is an entry in ClinVar:

NM_003705.5(SLC25A12):c.1171+3_1171+6del

Gene: SLC25A12 (solute carrier family 25 member 12; minus strand). Cytogenetic location: 2q31.1.
Variant type: Deletion.
Coding change: c.1171+3_1171+6del on transcript NM_003705.5 (MANE Select); bases 3 to 6 of the intron after coding-DNA position 1171, 4 bases deleted (GAGT; older notation c.1171+3_1171+6delGAGT).
Molecular consequence: splice donor variant.
Genome position (GRCh38, 1-based): chr2:171,813,333-171,813,336, ACTC deleted on the plus strand (GAGT on the coding strand, the reverse complement: SLC25A12 is on the minus strand); deleting any 4 consecutive bases within chr2:171,813,333-171,813,338 gives the same sequence; the c. name uses the placement nearest the transcript's 3' end. VCF-style (leftmost placement, unchanged base first): chr2-171813332-TACTC-T. GRCh37 (hg19) VCF-style: chr2-172669842-TACTC-T.
Identifiers: ClinVar variation 1498240 (VCV001498240.6), dbSNP rs1248106739, ClinGen allele CA760718444.
Genomic context (GRCh38, chr2:171,813,332, plus strand): 5'-GTGAGTTAAAATCTGCTGCTGGTGAGATCAAATCACTAACTTCAGCAGCTGGGATTTGCT[TACTC>T]ACCCCTGTAGAGTCCAAAGAAGCCCTCATAACGCAAGACTTTCTTAAAACAGTCAAAGCT-3'

ClinVar aggregate classification (germline): Uncertain significance (1 of 4 stars; one submission).

Submission:

Labcorp Genetics (formerly Invitae), Labcorp
Classification: Uncertain significance. Last evaluated: 2022-02-24. Review status: criteria provided, single submitter. Criteria: Invitae Variant Classification Sherloc (09022015). Collection method: clinical testing. Allele origin: germline.
Comment: In summary, the available evidence is currently insufficient to determine the role of this variant in disease. Therefore, it has been classified as a Variant of Uncertain Significance. Variants that disrupt the consensus splice site are a relatively common cause of aberrant splicing (PMID: 17576681, 9536098). Algorithms developed to predict the effect of sequence changes on RNA splicing suggest that this variant is not likely to affect RNA splicing. This variant has not been reported in the literature in individuals affected with SLC25A12-related conditions. This variant is not present in population databases (gnomAD no frequency). This sequence change falls in intron 11 of the SLC25A12 gene. It does not directly change the encoded amino acid sequence of the SLC25A12 protein. It affects a nucleotide within the consensus splice site.

Literature cited by the submitters: PubMed 17576681; PubMed 9536098.